The following is an entry in ClinVar:

NM_015294.6(TRIM37):c.1892T>C (p.Ile631Thr)

Gene: TRIM37 (tripartite motif containing 37; minus strand). Cytogenetic location: 17q22.
Variant type: single nucleotide variant.
Coding change: c.1892T>C on transcript NM_015294.6 (MANE Select); coding-DNA position 1892, T replaced by C.
Protein change: p.Ile631Thr; replaces isoleucine 631 with threonine.
Molecular consequence: missense variant. On other transcripts: non-coding transcript variant (2).
Genome position (GRCh38, 1-based): chr17:59,031,952, A>G on the plus strand (T>C on the coding strand, the complement: TRIM37 is on the minus strand). VCF-style: chr17-59031952-A-G. GRCh37 (hg19) VCF-style: chr17-57109313-A-G.
Other names: c.1892T>C, p.Ile631Thr (NM_001005207.5, NM_001320988.3, NM_001320989.3 and 1 more transcripts); c.1790T>C, p.Ile597Thr (NM_001320987.3, NM_001353082.2); c.1526T>C, p.Ile509Thr (NM_001320990.3); c.1157T>C, p.Ile386Thr (NM_001353083.2); c.1430T>C, p.Ile477Thr (NM_001353085.2); c.1841T>C, p.Ile614Thr (NM_001353086.2); short protein forms I477T, I631T, I509T, I597T, I614T, I386T.
Identifiers: ClinVar variation 4765992 (VCV004765992.1).

ClinVar aggregate classification (germline): Uncertain significance (1 of 4 stars; one submission).

gnomAD v4.1: 25 of 1,614,036 alleles (0.0015%); highest among the groups gnomAD compares: Non-Finnish European, 0.0019%; no homozygotes.

Submission:

Labcorp Genetics (formerly Invitae), Labcorp
Classification: Uncertain significance. Last evaluated: 2025-05-13. Review status: criteria provided, single submitter. Criteria: Invitae Variant Classification Sherloc (09022015). Collection method: clinical testing. Allele origin: germline.
Comment: This sequence change replaces isoleucine, which is neutral and non-polar, with threonine, which is neutral and polar, at codon 631 of the TRIM37 protein (p.Ile631Thr). This variant is present in population databases (rs746268683, gnomAD 0.002%). This variant has not been reported in the literature in individuals affected with TRIM37-related conditions. Invitae Evidence Modeling of protein sequence and biophysical properties (such as structural, functional, and spatial information, amino acid conservation, physicochemical variation, residue mobility, and thermodynamic stability) indicates that this missense variant is not expected to disrupt TRIM37 protein function with a negative predictive value of 80%. In summary, the available evidence is currently insufficient to determine the role of this variant in disease. Therefore, it has been classified as a Variant of Uncertain Significance.